The following is an entry in ClinVar:

NM_182961.4(SYNE1):c.384C>T (p.Thr128=)

Gene: SYNE1 (spectrin repeat containing nuclear envelope protein 1; minus strand). Cytogenetic location: 6q25.2.
Variant type: single nucleotide variant.
Coding change: c.384C>T on transcript NM_182961.4 (MANE Select); coding-DNA position 384, C replaced by T.
Protein change: p.Thr128=; no amino-acid change (threonine 128 retained).
Molecular consequence: synonymous variant.
Genome position (GRCh38, 1-based): chr6:152,511,029, G>A on the plus strand (C>T on the coding strand, the complement: SYNE1 is on the minus strand). VCF-style: chr6-152511029-G-A. GRCh37 (hg19) VCF-style: chr6-152832164-G-A.
Other names: c.405C>T, p.Thr135= (NM_033071.5); c.405C>T (NM_033071.3).
Identifiers: ClinVar variation 1119289 (VCV001119289.10), dbSNP rs773315965, ClinGen allele CA452763415.

ClinVar aggregate classification (germline): Conflicting classifications of pathogenicity. Review status: criteria provided, conflicting classifications (1 of 4 stars). 2 submissions from 2 submitters: Uncertain significance (1); Likely benign (1). Last evaluated 2024-03-17.

Conditions:
Autosomal recessive ataxia, Beauce type. Also called: Spinocerebellar ataxia, autosomal recessive 8; ATAXIA, RECESSIVE, OF BEAUCE; SYNE1-Related Autosomal Recessive Cerebellar Ataxia; SYNE1 Deficiency. Identifiers: Orphanet 88644, MedGen C1853116, MONDO:0012549, OMIM 610743.
Emery-Dreifuss muscular dystrophy 4, autosomal dominant (EDMD4). Also called: EMERY-DREIFUSS MUSCULAR DYSTROPHY 4 WITH VARIABLE FEATURES. Identifiers: Orphanet 261, MedGen C2751807, MONDO:0013071, OMIM 612998.

gnomAD v4.1: 1 of 1,613,814 alleles (0.000062%); highest among the groups gnomAD compares: Non-Finnish European, 0.000085%; no homozygotes.

Submissions (2):

GeneDx
Classification: Uncertain significance. Last evaluated: 2024-03-17. Review status: criteria provided, single submitter. Criteria: GeneDx Variant Classification Process June 2021. Collection method: clinical testing. Allele origin: germline. Affected: yes.
Comment: Not observed at significant frequency in large population cohorts (gnomAD); In silico analysis supports that this variant does not alter splicing; Has not been previously published as pathogenic or benign to our knowledge

Labcorp Genetics (formerly Invitae), Labcorp
Classification: Likely benign for Emery-Dreifuss muscular dystrophy 4, autosomal dominant; Autosomal recessive ataxia, Beauce type. Last evaluated: 2020-10-23. Review status: criteria provided, single submitter. Criteria: Invitae Variant Classification Sherloc (09022015). Collection method: clinical testing. Allele origin: germline.